The following is an entry in ClinVar:

NM_000255.4(MMUT):c.2124+4T>C

Gene: MMUT (methylmalonyl-CoA mutase; minus strand). Cytogenetic location: 6p12.3.
Variant type: single nucleotide variant.
Coding change: c.2124+4T>C on transcript NM_000255.4 (MANE Select); 4 bases into the intron after coding-DNA position 2124, T replaced by C.
Molecular consequence: intron variant.
Genome position (GRCh38, 1-based): chr6:49,435,452, A>G on the plus strand (T>C on the coding strand, the complement: MMUT is on the minus strand). VCF-style: chr6-49435452-A-G. GRCh37 (hg19) VCF-style: chr6-49403165-A-G.
Identifiers: ClinVar variation 1356544 (VCV001356544.5), dbSNP rs370357524, ClinGen allele CA3846661.

ClinVar aggregate classification (germline): Uncertain significance (1 of 4 stars; one submission).

Allele frequency attached by ClinVar (database versions not stated): ExAC 0.00002; gnomAD 0.00002; gnomAD exomes 0.00002 and 0.00011; TOPMed 0.00004; ESP Exome Variant Server 0.00008.
gnomAD v4.1: 164 of 1,612,566 alleles (0.01%); highest among the groups gnomAD compares: Non-Finnish European, 0.014%; no homozygotes.

Submission:

Labcorp Genetics (formerly Invitae), Labcorp
Classification: Uncertain significance. Last evaluated: 2022-07-12. Review status: criteria provided, single submitter. Criteria: Invitae Variant Classification Sherloc (09022015). Collection method: clinical testing. Allele origin: germline.
Comment: This sequence change falls in intron 12 of the MUT gene. It does not directly change the encoded amino acid sequence of the MUT protein. It affects a nucleotide within the consensus splice site. This variant is present in population databases (rs370357524, gnomAD 0.006%). This variant has not been reported in the literature in individuals affected with MUT-related conditions. ClinVar contains an entry for this variant (Variation ID: 1356544). Variants that disrupt the consensus splice site are a relatively common cause of aberrant splicing (PMID: 17576681, 9536098). Algorithms developed to predict the effect of sequence changes on RNA splicing suggest that this variant is not likely to affect RNA splicing. In summary, the available evidence is currently insufficient to determine the role of this variant in disease. Therefore, it has been classified as a Variant of Uncertain Significance.

Literature cited by the submitters: PubMed 17576681; PubMed 9536098.